The following is an entry in ClinVar:

ClinVar aggregate classification (germline): Uncertain significance (1 of 4 stars; one submission).

Conditions:
PKD1-related disorder. Also called: PKD1-related condition.

Submission:

PreventionGenetics, part of Exact Sciences
Classification: Uncertain significance for PKD1-related condition. Last evaluated: 2024-11-20. Review status: criteria provided, single submitter. Criteria: ACMG Guidelines, 2015. Collection method: clinical testing. Allele origin: germline.
Comment: The PKD1 c.7108T>G variant is predicted to result in the amino acid substitution p.Cys2370Gly. To our knowledge, this variant has not been reported in the literature or in a large population database (gnomAD), indicating this variant is rare. The p.Cys2370 residue is highly conserved. Of note, different substitutions at the same codon have been reported in individuals with autosomal dominant polycystic kidney disease (ADPKD) (see for example, p.Cys2370Ser in Rossetti et al. 2007. PubMed ID: 17582161; p.Cys2370Arg in Rossetti et al. 2003. PubMed ID: 12842373; p.Cys2370Tyr in Supplementary Table 1, Yu et al. 2022. PubMed ID: 35778421). Although we suspect that the c.7108T>G (p.Cys2370Gly) variant may be pathogenic, at this time, the clinical significance of this variant is uncertain due to the absence of conclusive functional and genetic evidence.

NM_001009944.3(PKD1):c.7108T>G (p.Cys2370Gly)

Gene: PKD1 (polycystin 1, transient receptor potential channel interacting; minus strand). Cytogenetic location: 16p13.3.
Variant type: single nucleotide variant.
Coding change: c.7108T>G on transcript NM_001009944.3 (MANE Select); coding-DNA position 7108, T replaced by G.
Protein change: p.Cys2370Gly; replaces cysteine 2370 with glycine.
Molecular consequence: missense variant.
Genome position (GRCh38, 1-based): chr16:2,106,906, A>C on the plus strand (T>G on the coding strand, the complement: PKD1 is on the minus strand). VCF-style: chr16-2106906-A-C. GRCh37 (hg19) VCF-style: chr16-2156907-A-C.
Other names: c.7108T>G, p.Cys2370Gly (NM_000296.4); short protein forms C2370G.
Identifiers: ClinVar variation 4993394 (VCV004993394.1).